The following is an entry in ClinVar:

ClinVar aggregate classification (germline): Pathogenic (1 of 4 stars; one submission).

Conditions:
Gorlin syndrome. Also called: Nevoid Basal Cell Carcinoma Syndrome; Basal cell nevus syndrome. Identifiers: Orphanet 377, MedGen C0004779, MONDO:0007187.

Submission:

Labcorp Genetics (formerly Invitae), Labcorp
Classification: Pathogenic for Gorlin syndrome. Last evaluated: 2024-06-12. Review status: criteria provided, single submitter. Criteria: Invitae Variant Classification Sherloc (09022015). Collection method: clinical testing. Allele origin: germline.
Comment: This sequence change creates a premature translational stop signal (p.Tyr93Glyfs*35) in the PTCH1 gene. It is expected to result in an absent or disrupted protein product. Loss-of-function variants in PTCH1 are known to be pathogenic (PMID: 16301862, 16419085). This variant is not present in population databases (gnomAD no frequency). This variant has not been reported in the literature in individuals affected with PTCH1-related conditions. For these reasons, this variant has been classified as Pathogenic.

Literature cited by the submitters: PubMed 16301862; PubMed 16419085.

NM_000264.5(PTCH1):c.277_311del (p.Tyr93fs)

Gene: PTCH1 (patched 1; minus strand). Cytogenetic location: 9q22.32.
Variant type: Deletion.
Coding change: c.277_311del on transcript NM_000264.5 (MANE Select); coding-DNA positions 277 to 311, 35 bases deleted.
Protein change: p.Tyr93fs; shifts the reading frame from tyrosine 93.
Molecular consequence: frameshift variant. On other transcripts: 5 prime UTR variant (4), non-coding transcript variant (1).
Genome position (GRCh38, 1-based): chr9:95,506,490-95,506,524, 35 bases deleted; deleting any 35 consecutive bases within chr9:95,506,490-95,506,530 gives the same sequence; the c. name uses the placement nearest the transcript's 3' end. GRCh37 (hg19): chr9:98,268,778-98,268,812.
Other names: c.79_113del, p.Tyr27fs (NM_001083602.3, NM_001354919.2); c.274_308del, p.Tyr92fs (NM_001083603.3); c.-177_-143del (NM_001083604.3, NM_001083605.3, NM_001083606.3 and 1 more transcripts); c.277_311del, p.Tyr93fs (NM_001354918.2); short protein forms Y27fs, Y92fs, Y93fs.
Identifiers: ClinVar variation 3656370 (VCV003656370.2).